The following is an entry in ClinVar:

NM_021076.4(NEFH):c.499C>G (p.Leu167Val)

Gene: NEFH (neurofilament heavy chain; plus strand). Cytogenetic location: 22q12.2.
Variant type: single nucleotide variant.
Coding change: c.499C>G on transcript NM_021076.4 (MANE Select); coding-DNA position 499, C replaced by G.
Protein change: p.Leu167Val; replaces leucine 167 with valine.
Molecular consequence: missense variant.
Genome position (GRCh38, 1-based): chr22:29,480,761, C>G. VCF-style: chr22-29480761-C-G. GRCh37 (hg19) VCF-style: chr22-29876750-C-G.
Other names: short protein forms L167V.
Identifiers: ClinVar variation 1939499 (VCV001939499.5), dbSNP rs2517968948, ClinGen allele CA411122982.

ClinVar aggregate classification (germline): Uncertain significance (1 of 4 stars; one submission).

gnomAD v4.1: 8 of 1,448,050 alleles (0.00055%); highest among the groups gnomAD compares: South Asian, 0.011%; no homozygotes.

Submission:

Labcorp Genetics (formerly Invitae), Labcorp
Classification: Uncertain significance. Last evaluated: 2022-05-02. Review status: criteria provided, single submitter. Criteria: Invitae Variant Classification Sherloc (09022015). Collection method: clinical testing. Allele origin: germline.
Comment: This sequence change replaces leucine, which is neutral and non-polar, with valine, which is neutral and non-polar, at codon 167 of the NEFH protein (p.Leu167Val). In summary, the available evidence is currently insufficient to determine the role of this variant in disease. Therefore, it has been classified as a Variant of Uncertain Significance. Advanced modeling of protein sequence and biophysical properties (such as structural, functional, and spatial information, amino acid conservation, physicochemical variation, residue mobility, and thermodynamic stability) performed at Invitae indicates that this missense variant is not expected to disrupt NEFH protein function. This variant has not been reported in the literature in individuals affected with NEFH-related conditions. This variant is not present in population databases (gnomAD no frequency).